The following is an entry in ClinVar:

NM_207122.2(EXT2):c.1340C>T (p.Pro447Leu)

Genes: EXT2 (exostosin glycosyltransferase 2; plus strand), LOC126861201 (MED14-independent group 3 enhancer GRCh37_chr11:44218806-44220005; plus strand). Cytogenetic location: 11p11.2.
Variant type: single nucleotide variant.
Coding change: c.1340C>T on transcript NM_207122.2 (MANE Select); coding-DNA position 1340, C replaced by T.
Protein change: p.Pro447Leu; replaces proline 447 with leucine.
Molecular consequence: missense variant.
Genome position (GRCh38, 1-based): chr11:44,197,863, C>T. VCF-style: chr11-44197863-C-T. GRCh37 (hg19) VCF-style: chr11-44219413-C-T.
Other names: c.1439C>T, p.Pro480Leu (NM_000401.3); c.1370C>T, p.Pro457Leu (NM_001178083.3); c.1340C>T, p.Pro447Leu (NM_001389628.1, NM_001389630.1); short protein forms P447L, P480L, P457L.
Identifiers: ClinVar variation 2892395 (VCV002892395.3), dbSNP rs758411926, ClinGen allele CA5955241.
Genomic context (GRCh38, chr11:44,197,863, plus strand): 5'-ACCCGTGTTAATCTGTCCTCTTGTAGAAGTGGGGCAGCGTGAGCAATCCACTCTTCCTCC[C>T]GCTGATCCCACCACAGTCTCAAGGGTTCACCGCCATAGTCCTCACCTACGACCGAGTAGA-3'
Protein context (NP_997005.1, residues 437-457): WGSVSNPLFL[Pro447Leu]LIPPQSQGFT

ClinVar aggregate classification (germline): Uncertain significance (1 of 4 stars; one submission).

Conditions:
Exostoses, multiple, type 2 (EXT2). Also called: Hereditary Multiple Osteochondromatosis, Type II; EXOSTOSES, MULTIPLE, TYPE II. Identifiers: Orphanet 321, MedGen C1851413, MONDO:0007586, OMIM 133701.

Allele frequency attached by ClinVar (database versions not stated): TOPMed below 0.00001; ExAC 0.00001; gnomAD 0.00001; gnomAD exomes 0.00001.
gnomAD v4.1: 9 of 1,613,930 alleles (0.00056%); highest among the groups gnomAD compares: Admixed American, 0.0017%; no homozygotes.

Submission:

Labcorp Genetics (formerly Invitae), Labcorp
Classification: Uncertain significance for Exostoses, multiple, type 2. Last evaluated: 2025-05-05. Review status: criteria provided, single submitter. Criteria: Invitae Variant Classification Sherloc (09022015). Collection method: clinical testing. Allele origin: germline.
Comment: This sequence change replaces proline, which is neutral and non-polar, with leucine, which is neutral and non-polar, at codon 447 of the EXT2 protein (p.Pro447Leu). This variant is present in population databases (rs758411926, gnomAD 0.004%). This variant has not been reported in the literature in individuals affected with EXT2-related conditions. ClinVar contains an entry for this variant (Variation ID: 2892395). Invitae Evidence Modeling of protein sequence and biophysical properties (such as structural, functional, and spatial information, amino acid conservation, physicochemical variation, residue mobility, and thermodynamic stability) has been performed for this missense variant. However, the output from this modeling did not meet the statistical confidence thresholds required to predict the impact of this variant on EXT2 protein function. In summary, the available evidence is currently insufficient to determine the role of this variant in disease. Therefore, it has been classified as a Variant of Uncertain Significance.